The following is an entry in ClinVar:

ClinVar aggregate classification (germline): Uncertain significance (3 of 4 stars; one submission).

Conditions:
Glanzmann thrombasthenia. Also called: THROMBASTHENIA OF GLANZMANN AND NAEGELI; PLATELET GLYCOPROTEIN IIb-IIIa DEFICIENCY; Thrombasthenia; Glanzmann's thrombasthenia. Identifiers: Orphanet 849, MedGen C0040015, MONDO:0100326.

Submission:

ClinGen Platelet Disorders Variant Curation Expert Panel, ClinGen
Classification: Uncertain significance for Glanzmann thrombasthenia. Last evaluated: 2026-02-05. Review status: reviewed by expert panel. Criteria: ClinGen Platelet ACMG Specifications v2-1. Collection method: curation. Allele origin: germline. Inheritance: Autosomal recessive inheritance.
Comment: This clinical phenotype is specific for GT (PMID: 31777146; PP4_strong). This variant is absent from the gnomAD v4.1 database (PM2_Supporting). It has a REVEL score of 0.216 which is lower than the PD VCEP cutoff of <0.25 which predicts a benign impact on protein function (BP4). In summary, this variant meets the criteria to be classified as uncertain significance for autosomal recessive Glanzmann Thrombasthenia based on the ACMG/AMP criteria applied, as specified by the ClinGen PD VCEP: PM2_supporting, PP4_Strong, and BP4 (VCEP specifications version 2.1).

NM_000212.3(ITGB3):c.2027A>C (p.Lys676Thr)

Gene: ITGB3 (integrin subunit beta 3; plus strand). Cytogenetic location: 17q21.32.
Variant type: single nucleotide variant.
Coding change: c.2027A>C on transcript NM_000212.3 (MANE Select); coding-DNA position 2027, A replaced by C.
Protein change: p.Lys676Thr; replaces lysine 676 with threonine.
Molecular consequence: missense variant.
Genome position (GRCh38, 1-based): chr17:47,302,733, A>C. VCF-style: chr17-47302733-A-C. GRCh37 (hg19) VCF-style: chr17-45380099-A-C.
Other names: NM_000212.3:c.2027A>C; short protein forms K676T.
Identifiers: ClinVar variation 2506411 (VCV002506411.2), dbSNP rs2065171992, ClinGen allele CA400033092.